The following is an entry in ClinVar:

ClinVar aggregate classification (germline): Conflicting classifications of pathogenicity. Review status: criteria provided, conflicting classifications (1 of 4 stars). 11 submissions from 11 submitters: Uncertain significance (8); Likely benign (1). 2 of the submissions do not count toward it. Last evaluated 2025-12-08.

Conditions:
Hereditary cancer-predisposing syndrome. Also called: Tumor predisposition; Neoplastic Syndromes, Hereditary; Hereditary neoplastic syndrome; Hereditary Cancer Syndrome. Identifiers: Orphanet 140162, MedGen C0027672, MeSH D009386, MONDO:0015356.
Hereditary breast ovarian cancer syndrome. Also called: Hereditary breast and ovarian cancer; BRCA1- and BRCA2-Associated Hereditary Breast and Ovarian Cancer; Hereditary breast and/or ovarian cancer syndrome; Hereditary breast and ovarian cancer syndrome; Breast and ovarian cancer; Hereditary breast and ovarian cancer syndrome (HBOC). Identifiers: Orphanet 145, MedGen C0677776, MeSH D061325, MONDO:0003582. Disease mechanism: loss of function.
Breast-ovarian cancer, familial, susceptibility to, 2 (BROVCA2). Also called: BRCA2 Hereditary Breast and Ovarian Cancer. Identifiers: Orphanet 145, MedGen C2675520, MONDO:0012933, OMIM 612555. Disease mechanism: loss of function.
Familial cancer of breast. Also called: BREAST CANCER, FAMILIAL; hereditary breast carcinoma; Hereditary breast cancer. Identifiers: Orphanet 227535, MedGen C0346153, MONDO:0016419, OMIM 114480. Disease mechanism: loss of function.

Allele frequency attached by ClinVar (database versions not stated): gnomAD 0.00001; ExAC 0.00002; 1000 Genomes Project 0.00020; 1000 Genomes Project 30x 0.00031.
gnomAD v4.1: 18 of 1,610,246 alleles (0.0011%); highest among the groups gnomAD compares: Admixed American, 0.0067%; no homozygotes.

Submissions (11):

Women's Health and Genetics/Laboratory Corporation of America, LabCorp
Classification: Uncertain significance. Last evaluated: 2025-12-08. Review status: criteria provided, single submitter. Criteria: LabCorp Variant Classification Summary - May 2015. Collection method: clinical testing. Allele origin: germline.
Comment: Variant summary: BRCA2 c.442T>C (p.Cys148Arg) results in a non-conservative amino acid change in the encoded protein sequence. Algorithms developed to predict the effect of missense changes on protein structure and function are either unavailable or do not agree on the potential impact of this missense change. The variant allele was found at a frequency of 1.6e-05 in 250980 control chromosomes. The available data on variant occurrences in the general population are insufficient to allow any conclusion about variant significance. c.442T>C has been observed in individuals affected with breast or ovarian cancer, as well as unaffected controls (e.g. Tung_2014, Patruno_2021, Dorling_2021, Grigore_2024, Davidson_2024, Witt_2025). These reports do not provide unequivocal conclusions about association of the variant with Hereditary Breast And Ovarian Cancer Syndrome. At least one co-occurrence with a pathogenic variant has been reported (BRCA1 c.3481_3491del, p.Glu1161PhefsX3; Davidson_2024), providing supporting evidence for a benign role. To our knowledge, no experimental evidence demonstrating an impact on protein function has been reported. The following publications have been ascertained in the context of this evaluation (PMID: 39096911, 33471991, 38785549, 34572941, 25186627, 40403485). ClinVar contains an entry for this variant (Variation ID: 51647). Based on the evidence outlined above, the variant was classified as uncertain significance.

Quest Diagnostics Nichols Institute San Juan Capistrano
Classification: Uncertain significance. Last evaluated: 2025-10-20. Review status: criteria provided, single submitter. Criteria: Quest Diagnostics criteria. Collection method: clinical testing. Allele origin: unknown.
Comment: The BRCA2 c.442T>C (p.Cys148Arg) variant has been reported in the published literature in individuals with breast and/or ovarian cancer (PMID: 39062721 (2024), 38785549 (2024), 34572941 (2021), 25186627 (2015)) and familial atypical multiple mole melanoma-pancreatic cancer (FAMMM-PC) syndrome (PMID: 20041885 (2010)). Additionally, in a large scale breast cancer association study, this variant has been observed in a breast cancer case and reportedly unaffected individuals (PMID: 33471991 (2021), see also LOVD). The frequency of this variant in the general population (Genome Aggregation Database) is uninformative in the assessment of its pathogenicity. Analysis of this variant using bioinformatics tools for the prediction of the effect of amino acid changes on protein structure and function yielded predictions that this variant is benign. Based on the available information, we are unable to determine the clinical significance of this variant.

Ambry Genetics
Classification: Uncertain significance for Hereditary cancer-predisposing syndrome. Last evaluated: 2025-03-17. Review status: criteria provided, single submitter. Criteria: Ambry Variant Classification Scheme 2023. Collection method: clinical testing. Allele origin: germline.
Comment: The p.C148R variant (also known as c.442T>C), located in coding exon 4 of the BRCA2 gene, results from a T to C substitution at nucleotide position 442. The cysteine at codon 148 is replaced by arginine, an amino acid with highly dissimilar properties. This amino acid position is not well conserved in available vertebrate species. In addition, this alteration is predicted to be tolerated by in silico analysis. Since supporting evidence is limited at this time, the clinical significance of this alteration remains unclear.

Labcorp Genetics (formerly Invitae), Labcorp
Classification: Uncertain significance for Hereditary breast ovarian cancer syndrome. Last evaluated: 2024-11-21. Review status: criteria provided, single submitter. Criteria: Invitae Variant Classification Sherloc (09022015). Collection method: clinical testing. Allele origin: germline.
Comment: This sequence change replaces cysteine, which is neutral and slightly polar, with arginine, which is basic and polar, at codon 148 of the BRCA2 protein (p.Cys148Arg). This variant is present in population databases (rs80358677, gnomAD 0.003%). This missense change has been observed in individual(s) with BRCA2-related conditions and/or breast cancer (PMID: 25186627, 34572941). ClinVar contains an entry for this variant (Variation ID: 51647). Invitae Evidence Modeling of protein sequence and biophysical properties (such as structural, functional, and spatial information, amino acid conservation, physicochemical variation, residue mobility, and thermodynamic stability) indicates that this missense variant is not expected to disrupt BRCA2 protein function with a negative predictive value of 95%. In summary, the available evidence is currently insufficient to determine the role of this variant in disease. Therefore, it has been classified as a Variant of Uncertain Significance.

Color Diagnostics, LLC DBA Color Health
Classification: Uncertain significance for Hereditary cancer-predisposing syndrome. Last evaluated: 2024-06-25. Review status: criteria provided, single submitter. Criteria: ACMG Guidelines, 2015. Collection method: clinical testing. Allele origin: germline.
Comment: This missense variant replaces cysteine with arginine at codon 148 of the BRCA2 protein. Computational prediction suggests that this variant may not impact protein structure and function (internally defined REVEL score threshold <= 0.5, PMID: 27666373). To our knowledge, functional studies have not been reported for this variant. This variant has been reported in two individuals affected with breast cancer and two unaffected controls (PMID: 25186627, 33471991; Leiden Open Variation Database DB-ID BRCA2_001585), as well as an individual affected with ovarian cancer (PMID: 38785549). This variant has been identified in 4/250980 chromosomes in the general population by the Genome Aggregation Database (gnomAD). The available evidence is insufficient to determine the role of this variant in disease conclusively. Therefore, this variant is classified as a Variant of Uncertain Significance.

Blueprint Genetics
Classification: Uncertain significance. Last evaluated: 2024-03-21. Review status: criteria provided, single submitter. Criteria: ACMG Guidelines, 2015. Collection method: clinical testing. Allele origin: germline.

Baylor Genetics
Classification: Uncertain significance for Familial cancer of breast. Last evaluated: 2024-02-06. Review status: criteria provided, single submitter. Criteria: ACMG Guidelines, 2015. Collection method: clinical testing. Allele origin: unknown.

All of Us Research Program, National Institutes of Health
Classification: Uncertain significance for Breast-ovarian cancer, familial, susceptibility to, 2. Last evaluated: 2023-06-26. Review status: criteria provided, single submitter. Criteria: ACMG Guidelines, 2015. Collection method: clinical testing. Allele origin: germline. Inheritance: Autosomal dominant inheritance. Observed: 1 variant allele, 1 heterozygote.
Comment: This missense variant replaces cysteine with arginine at codon 148 of the BRCA2 protein. Computational prediction suggests that this variant may not impact protein structure and function (internally defined REVEL score threshold <= 0.5, PMID: 27666373). To our knowledge, functional studies have not been reported for this variant. This variant has been reported in two individuals affected with breast cancer and two unaffected controls (PMID: 25186627, 33471991; Leiden Open Variation Database DB-ID BRCA2_001585). This variant has been identified in 4/250980 chromosomes in the general population by the Genome Aggregation Database (gnomAD). The available evidence is insufficient to determine the role of this variant in disease conclusively. Therefore, this variant is classified as a Variant of Uncertain Significance.

This study involves interpretation of variants in research participants for the purpose of population health screening. Participant phenotype was not available at the time of variant classification. Additional details can be found in publication PMID: 35346344, PMCID: PMC8962531

GeneDx
Classification: Likely benign. Last evaluated: 2016-11-21. Review status: criteria provided, single submitter. Criteria: GeneDx Variant Classification (06012015). Collection method: clinical testing. Allele origin: germline. Affected: yes.
Comment: This variant is considered likely benign or benign based on one or more of the following criteria: it is a conservative change, it occurs at a poorly conserved position in the protein, it is predicted to be benign by multiple in silico algorithms, and/or has population frequency not consistent with disease.

Sharing Clinical Reports Project (SCRP)
Classification: Uncertain significance for Breast-ovarian cancer, familial 2. Last evaluated: 2008-03-25. Review status: no assertion criteria provided. Collection method: clinical testing. Allele origin: germline. Not counted in ClinVar's aggregate classification.

Breast Cancer Information Core (BIC) (BRCA2)
Classification: Uncertain significance for Breast-ovarian cancer, familial 2. Last evaluated: 2004-02-20. Review status: no assertion criteria provided. Collection method: clinical testing. Allele origin: germline. Affected: yes. Observed: 2 variant alleles. Not counted in ClinVar's aggregate classification.

Literature cited by the submitters: PubMed 25186627 (cited by 5 submitters); PubMed 33471991 (cited by 4 submitters); PubMed 34572941 (cited by 3 submitters); PubMed 39096911 (cited by Women's Health and Genetics/Laboratory Corporation of America, LabCorp); PubMed 38785549 (cited by 3 submitters); PubMed 40403485 (cited by Women's Health and Genetics/Laboratory Corporation of America, LabCorp); PubMed 39062721 (cited by Quest Diagnostics Nichols Institute San Juan Capistrano); PubMed 20041885 (cited by Quest Diagnostics Nichols Institute San Juan Capistrano); PubMed 31131967 (cited by Quest Diagnostics Nichols Institute San Juan Capistrano).

NM_000059.4(BRCA2):c.442T>C (p.Cys148Arg)

Gene: BRCA2 (BRCA2 DNA repair associated; plus strand). Cytogenetic location: 13q13.1.
Variant type: single nucleotide variant.
Coding change: c.442T>C on transcript NM_000059.4 (MANE Select); coding-DNA position 442, T replaced by C.
Protein change: p.Cys148Arg; replaces cysteine 148 with arginine.
Molecular consequence: missense variant.
Genome position (GRCh38, 1-based): chr13:32,326,117, T>C. VCF-style: chr13-32326117-T-C. GRCh37 (hg19) VCF-style: chr13-32900254-T-C.
Other names: 670T>C; short protein forms C148R.
Identifiers: ClinVar variation 51647 (VCV000051647.33), dbSNP rs80358677, ClinGen allele CA020175.